The following is an entry in ClinVar:

ClinVar aggregate classification (germline): Likely benign (0 of 4 stars; one submission).

Conditions:
CDK20-related disorder. Also called: CDK20-related condition.

Allele frequency attached by ClinVar (database versions not stated): 1000 Genomes Project 30x 0.00047; 1000 Genomes Project 0.00060; TOPMed 0.00093; gnomAD 0.00130; ExAC 0.00164; ESP Exome Variant Server 0.00185; gnomAD exomes 0.00187.

Submission:

PreventionGenetics, part of Exact Sciences
Classification: Likely benign for CDK20-related condition. Last evaluated: 2020-01-16. Review status: no assertion criteria provided. Collection method: clinical testing. Allele origin: germline.
Comment: This variant is classified as likely benign based on ACMG/AMP sequence variant interpretation guidelines (Richards et al. 2015 PMID: 25741868, with internal and published modifications).

NM_001039803.3(CDK20):c.535C>T (p.Arg179Cys)

Gene: CDK20 (cyclin dependent kinase 20; minus strand). Cytogenetic location: 9q22.1.
Variant type: single nucleotide variant.
Coding change: c.535C>T on transcript NM_001039803.3 (MANE Select); coding-DNA position 535, C replaced by T.
Protein change: p.Arg179Cys; replaces arginine 179 with cysteine.
Molecular consequence: missense variant. On other transcripts: intron variant (4).
Genome position (GRCh38, 1-based): chr9:87,970,596, G>A on the plus strand (C>T on the coding strand, the complement: CDK20 is on the minus strand). VCF-style: chr9-87970596-G-A. GRCh37 (hg19) VCF-style: chr9-90585511-G-A.
Other names: c.500+180C>T (NM_001170640.2, NM_001170639.2, NM_012119.5); c.539+180C>T (NM_178432.4); short protein forms R179C.
Identifiers: ClinVar variation 3055815 (VCV003055815.2), dbSNP rs138822378, ClinGen allele CA5114111.